The following is an entry in ClinVar:

NM_004183.4(BEST1):c.842_843delinsAG (p.Phe281Ter)

Gene: BEST1 (bestrophin 1; plus strand). Cytogenetic location: 11q12.3.
Variant type: Indel.
Coding change: c.842_843delinsAG on transcript NM_004183.4 (MANE Select); coding-DNA positions 842 to 843, TC replaced by AG.
Protein change: p.Phe281Ter; replaces phenylalanine 281 with a stop codon.
Molecular consequence: nonsense. On other transcripts: non-coding transcript variant (1).
Genome position (GRCh38, 1-based): chr11:61,958,273-61,958,274, TC replaced by AG. VCF-style: chr11-61958273-TC-AG. GRCh37 (hg19) VCF-style: chr11-61725745-TC-AG.
Other names: c.662_663delTCinsAG, p.Phe221Ter (NM_001139443.3); c.662_663delinsAG, p.Phe221Ter (NM_001300786.2, NM_001300787.2); c.524_525delTCinsAG, p.Phe175Ter (NM_001363591.3); c.842_843delTCinsAG, p.Phe281Ter (NM_001363592.2); c.-334_-333delTCinsAG (NM_001363593.3); short protein forms F221*, F281*, F175*.
Identifiers: ClinVar variation 1955902 (VCV001955902.5), dbSNP rs2541384801, ClinGen allele CA2580084372.

ClinVar aggregate classification (germline): Pathogenic (1 of 4 stars; one submission).

Submission:

Labcorp Genetics (formerly Invitae), Labcorp
Classification: Pathogenic. Last evaluated: 2022-08-06. Review status: criteria provided, single submitter. Criteria: Invitae Variant Classification Sherloc (09022015). Collection method: clinical testing. Allele origin: germline.
Comment: For these reasons, this variant has been classified as Pathogenic. This variant has not been reported in the literature in individuals affected with BEST1-related conditions. Information on the frequency of this variant in the gnomAD database is not available, as this variant may be reported differently in the database. This sequence change creates a premature translational stop signal (p.Phe281*) in the BEST1 gene. It is expected to result in an absent or disrupted protein product. Loss-of-function variants in BEST1 are known to be pathogenic (PMID: 21825197).

Literature cited by the submitters: PubMed 21825197.